The following is an entry in ClinVar:

NM_001457.4(FLNB):c.3313G>A (p.Gly1105Arg)

Gene: FLNB (filamin B; plus strand). Cytogenetic location: 3p14.3.
Variant type: single nucleotide variant.
Coding change: c.3313G>A on transcript NM_001457.4 (MANE Select); coding-DNA position 3313, G replaced by A.
Protein change: p.Gly1105Arg; replaces glycine 1105 with arginine.
Molecular consequence: missense variant.
Genome position (GRCh38, 1-based): chr3:58,123,279, G>A. VCF-style: chr3-58123279-G-A. GRCh37 (hg19) VCF-style: chr3-58109006-G-A.
Other names: c.3313G>A, p.Gly1105Arg (NM_001164317.2, NM_001164318.2, NM_001164319.2); short protein forms G1105R.
Identifiers: ClinVar variation 2001987 (VCV002001987.4), dbSNP rs1333370123, ClinGen allele CA353348535.

ClinVar aggregate classification (germline): Uncertain significance (1 of 4 stars; one submission).

Allele frequency attached by ClinVar (database versions not stated): gnomAD exomes below 0.00001; gnomAD 0.00001.
gnomAD v4.1: 5 of 1,614,024 alleles (0.00031%); highest among the groups gnomAD compares: Admixed American, 0.0033%; no homozygotes.

Submission:

Labcorp Genetics (formerly Invitae), Labcorp
Classification: Uncertain significance. Last evaluated: 2022-07-27. Review status: criteria provided, single submitter. Criteria: Invitae Variant Classification Sherloc (09022015). Collection method: clinical testing. Allele origin: germline.
Comment: This sequence change replaces glycine, which is neutral and non-polar, with arginine, which is basic and polar, at codon 1105 of the FLNB protein (p.Gly1105Arg). In summary, the available evidence is currently insufficient to determine the role of this variant in disease. Therefore, it has been classified as a Variant of Uncertain Significance. Advanced modeling of protein sequence and biophysical properties (such as structural, functional, and spatial information, amino acid conservation, physicochemical variation, residue mobility, and thermodynamic stability) performed at Invitae indicates that this missense variant is expected to disrupt FLNB protein function. This variant has not been reported in the literature in individuals affected with FLNB-related conditions. This variant is present in population databases (no rsID available, gnomAD 0.003%).